The following is an entry in ClinVar:

NM_001080517.3(SETD5):c.3020G>A (p.Gly1007Glu)

Gene: SETD5 (SET domain containing 5; plus strand). Cytogenetic location: 3p25.3.
Variant type: single nucleotide variant.
Coding change: c.3020G>A on transcript NM_001080517.3 (MANE Select); coding-DNA position 3020, G replaced by A.
Protein change: p.Gly1007Glu; replaces glycine 1007 with glutamic acid.
Molecular consequence: missense variant.
Genome position (GRCh38, 1-based): chr3:9,470,754, G>A. VCF-style: chr3-9470754-G-A. GRCh37 (hg19) VCF-style: chr3-9512438-G-A.
Other names: c.2726G>A, p.Gly909Glu (NM_001292043.2, NM_001349451.2); short protein forms G909E, G1007E.
Identifiers: ClinVar variation 1926842 (VCV001926842.5), dbSNP rs2473809833, ClinGen allele CA351681631.

ClinVar aggregate classification (germline): Uncertain significance (1 of 4 stars; one submission).

Submission:

Labcorp Genetics (formerly Invitae), Labcorp
Classification: Uncertain significance. Last evaluated: 2022-12-09. Review status: criteria provided, single submitter. Criteria: Invitae Variant Classification Sherloc (09022015). Collection method: clinical testing. Allele origin: germline.
Comment: In summary, the available evidence is currently insufficient to determine the role of this variant in disease. Therefore, it has been classified as a Variant of Uncertain Significance. Advanced modeling of protein sequence and biophysical properties (such as structural, functional, and spatial information, amino acid conservation, physicochemical variation, residue mobility, and thermodynamic stability) performed at Invitae indicates that this missense variant is not expected to disrupt SETD5 protein function. This sequence change replaces glycine, which is neutral and non-polar, with glutamic acid, which is acidic and polar, at codon 1007 of the SETD5 protein (p.Gly1007Glu). This variant is not present in population databases (gnomAD no frequency). This variant has not been reported in the literature in individuals affected with SETD5-related conditions.